The following is an entry in ClinVar:

NM_172107.4(KCNQ2):c.794_795insATCC (p.Asp266fs)

Gene: KCNQ2 (potassium voltage-gated channel subfamily Q member 2; minus strand). Cytogenetic location: 20q13.33.
Variant type: Insertion.
Coding change: c.794_795insATCC on transcript NM_172107.4 (MANE Select); coding-DNA positions 794 to 795, ATCC inserted.
Protein change: p.Asp266fs; shifts the reading frame from aspartic acid 266.
Molecular consequence: frameshift variant.
Genome position: GRCh38 VCF-style: chr20-63442427-C-CGGAT. GRCh37 (hg19) VCF-style: chr20-62073780-C-CGGAT.
Other names: c.794_795insATCC, p.Asp266fs (NM_001382235.1, NM_004518.6, NM_172106.3 and 2 more transcripts); short protein forms D266fs.
Identifiers: ClinVar variation 967863 (VCV000967863.8), dbSNP rs2081187965, ClinGen allele CA1139666799.

ClinVar aggregate classification (germline): Pathogenic (1 of 4 stars; one submission).

Conditions:
Early-infantile DEE. Also called: Ohtahara syndrome; Early infantile epileptic encephalopathy with suppression bursts; Early infantile epileptic encephalopathy. Identifiers: Orphanet 1934, MedGen C0393706, MONDO:0800491.

Submission:

Labcorp Genetics (formerly Invitae), Labcorp
Classification: Pathogenic for Early-infantile DEE. Last evaluated: 2025-02-24. Review status: criteria provided, single submitter. Criteria: Invitae Variant Classification Sherloc (09022015). Collection method: clinical testing. Allele origin: germline.
Comment: This sequence change creates a premature translational stop signal (p.Asp266Serfs*66) in the KCNQ2 gene. It is expected to result in an absent or disrupted protein product. Loss-of-function variants in KCNQ2 are known to be pathogenic (PMID: 14534157, 23692823, 27779742). This variant is not present in population databases (gnomAD no frequency). This variant has not been reported in the literature in individuals affected with KCNQ2-related conditions. ClinVar contains an entry for this variant (Variation ID: 967863). For these reasons, this variant has been classified as Pathogenic.

Literature cited by the submitters: PubMed 14534157; PubMed 23692823; PubMed 27779742.